The following is an entry in ClinVar:

NM_000051.4(ATM):c.5867T>A (p.Leu1956His)

Genes: ATM (ATM serine/threonine kinase; plus strand), C11orf65 (chromosome 11 open reading frame 65; minus strand). Cytogenetic location: 11q22.3.
Variant type: single nucleotide variant.
Coding change: c.5867T>A on transcript NM_000051.4 (MANE Select); coding-DNA position 5867, T replaced by A.
Protein change: p.Leu1956His; replaces leucine 1956 with histidine.
Molecular consequence: missense variant. On other transcripts: intron variant (2).
Genome position (GRCh38, 1-based): chr11:108,310,264, T>A. VCF-style: chr11-108310264-T-A. GRCh37 (hg19) VCF-style: chr11-108180991-T-A.
Other names: c.5867T>A, p.Leu1956His (NM_001351834.2); c.641-1193A>T (NM_001330368.2); c.*39-1193A>T (NM_001351110.2); short protein forms L1956H.
Identifiers: ClinVar variation 231155 (VCV000231155.31), dbSNP rs876658989, ClinGen allele CA10579200.
Genomic context (GRCh38, chr11:108,310,264, plus strand): 5'-TAAATTATCTAGAAGTTGCCAAGGTAGCTCAGTCTTGTGCTGCTCACTTTACAGCTTTAC[T>A]CTATGCAGAAATCTATGCAGATAAGAAAAGTATGGATGATCAAGAGAAAAGGTAATGGAA-3'
Protein context (NP_000042.3, residues 1946-1966): QSCAAHFTAL[Leu1956His]YAEIYADKKS

ClinVar aggregate classification (germline): Uncertain significance. Review status: criteria provided, multiple submitters, no conflicts (2 of 4 stars). 4 submissions from 4 submitters: Uncertain significance (3). 1 of the submissions does not count toward it. Last evaluated 2025-09-24.

Conditions:
Hereditary cancer-predisposing syndrome. Also called: Neoplastic Syndromes, Hereditary; Hereditary neoplastic syndrome; Tumor predisposition; Hereditary Cancer Syndrome. Identifiers: Orphanet 140162, MedGen C0027672, MeSH D009386, MONDO:0015356.
Ataxia-telangiectasia syndrome (AT). Also called: Ataxia telangiectasia (A-T); Cerebello-oculocutaneous telangiectasia; Immunodeficiency with ataxia telangiectasia; LOUIS-BAR SYNDROME; AT, COMPLEMENTATION GROUP C; ATAXIA-TELANGIECTASIA, FRESNO VARIANT. Identifiers: Orphanet 100, MedGen C0004135, MONDO:0008840, OMIM 208900.

Allele frequency attached by ClinVar (database versions not stated): gnomAD 0.00001; gnomAD exomes 0.00001.
gnomAD v4.1: 16 of 1,613,476 alleles (0.00099%); highest among the groups gnomAD compares: East Asian, 0.036%; no homozygotes.

Submissions (4):

Labcorp Genetics (formerly Invitae), Labcorp
Classification: Uncertain significance for Ataxia-telangiectasia syndrome. Last evaluated: 2025-09-24. Review status: criteria provided, single submitter. Criteria: Invitae Variant Classification Sherloc (09022015). Collection method: clinical testing. Allele origin: germline.
Comment: This sequence change replaces leucine, which is neutral and non-polar, with histidine, which is basic and polar, at codon 1956 of the ATM protein (p.Leu1956His). This variant is not present in population databases (gnomAD no frequency). This missense change has been observed in individual(s) with breast cancer or pancreatic cancer (PMID: 30287823, 35171259). ClinVar contains an entry for this variant (Variation ID: 231155). Invitae Evidence Modeling of protein sequence and biophysical properties (such as structural, functional, and spatial information, amino acid conservation, physicochemical variation, residue mobility, and thermodynamic stability) has been performed for this missense variant. However, the output from this modeling did not meet the statistical confidence thresholds required to predict the impact of this variant on ATM protein function. In summary, the available evidence is currently insufficient to determine the role of this variant in disease. Therefore, it has been classified as a Variant of Uncertain Significance.

Ambry Genetics
Classification: Uncertain significance for Hereditary cancer-predisposing syndrome. Last evaluated: 2025-05-22. Review status: criteria provided, single submitter. Criteria: Ambry Variant Classification Scheme 2023. Collection method: clinical testing. Allele origin: germline.
Comment: The p.L1956H variant (also known as c.5867T>A), located in coding exon 38 of the ATM gene, results from a T to A substitution at nucleotide position 5867. The leucine at codon 1956 is replaced by histidine, an amino acid with similar properties. This alteration was observed with an allele frequency of 0.00142 in 7,051 unselected female breast cancer patients and was observed with an allele frequency of 0.00116 in 11,241 female controls of Japanese ancestry. In addition, it was observed with an allele frequency of 0.01887 in 53 unselected male breast cancer patients and was observed with an allele frequency of 0.00104 in 12,490 male controls of Japanese ancestry (Momozawa Y et al. Nat Commun, 2018 10;9:4083). This amino acid position is highly conserved in available vertebrate species. In addition, the in silico prediction for this alteration is inconclusive. Based on the available evidence, the clinical significance of this variant remains unclear.

Color Diagnostics, LLC DBA Color Health
Classification: Uncertain significance for Hereditary cancer-predisposing syndrome. Last evaluated: 2019-10-29. Review status: criteria provided, single submitter. Criteria: ACMG Guidelines, 2015. Collection method: clinical testing. Allele origin: germline.
Comment: This missense variant replaces leucine with histidine at codon 1956 of the ATM protein. Computational prediction suggests that this variant may not impact protein structure and function (internally defined REVEL score threshold <= 0.5, PMID: 27666373). Splice site prediction tools suggest that this variant may not impact RNA splicing. To our knowledge, functional studies have not been performed for this variant. This variant has not been reported in individuals affected with hereditary cancer in the literature. This variant has not been identified in the general population by the Genome Aggregation Database (gnomAD). The available evidence is insufficient to determine the role of this variant in disease conclusively. Therefore, this variant is classified as a Variant of Uncertain Significance.

Natera, Inc.
Classification: Uncertain significance for Ataxia-telangiectasia. Last evaluated: 2021-08-31. Review status: no assertion criteria provided. Collection method: clinical testing. Allele origin: germline. Not counted in ClinVar's aggregate classification.

Literature cited by the submitters: PubMed 30287823 (cited by Labcorp Genetics (formerly Invitae), Labcorp and Ambry Genetics); PubMed 35171259 (cited by Labcorp Genetics (formerly Invitae), Labcorp).